The following is an entry in ClinVar:

NM_000051.4(ATM):c.6063_6064insA (p.Gly2022fs)

Genes: ATM (ATM serine/threonine kinase; plus strand), C11orf65 (chromosome 11 open reading frame 65; minus strand). Cytogenetic location: 11q22.3.
Variant type: Insertion.
Coding change: c.6063_6064insA on transcript NM_000051.4 (MANE Select); coding-DNA positions 6063 to 6064, A inserted.
Protein change: p.Gly2022fs; shifts the reading frame from glycine 2022.
Molecular consequence: frameshift variant. On other transcripts: intron variant (2).
Genome position: GRCh38 VCF-style: chr11-108315879-T-TA. GRCh37 (hg19) VCF-style: chr11-108186606-T-TA.
Other names: c.6063_6064insA, p.Gly2022fs (NM_001351834.2); c.641-6809_641-6808insT (NM_001330368.2); c.*39-6809_*39-6808insT (NM_001351110.2); short protein forms G2022fs.
Identifiers: ClinVar variation 3148631 (VCV003148631.1), dbSNP rs2547089705, ClinGen allele CA2825001851.
Genomic context (GRCh38, chr11:108,315,879, plus strand): 5'-TCAGGATCTTCTCTTAGAAATCTACAGAAGTATAGGGGAGCCAGATAGTTTGTATGGCTG[T>TA]GGTGGAGGGAAGATGTTACAACCCATTACTAGGTAAATTGCATTTTTCTAAACAACGGTA-3'

ClinVar aggregate classification (germline): Pathogenic (1 of 4 stars; one submission).

Conditions:
Familial cancer of breast. Also called: hereditary breast carcinoma; BREAST CANCER, FAMILIAL; Hereditary breast cancer. Identifiers: Orphanet 227535, MedGen C0346153, MONDO:0016419, OMIM 114480. Disease mechanism: loss of function.

Submission:

Myriad Genetics, Inc.
Classification: Pathogenic for Familial cancer of breast. Last evaluated: 2024-01-29. Review status: criteria provided, single submitter. Criteria: Myriad Autosomal Dominant, Autosomal Recessive and X-Linked Classification Criteria (2023). Collection method: clinical testing. Allele origin: unknown.
Comment: This variant is considered pathogenic. This variant creates a frameshift predicted to result in premature protein truncation.